The following is an entry in ClinVar:

ClinVar aggregate classification (germline): Uncertain significance (1 of 4 stars; one submission).

Submission:

Labcorp Genetics (formerly Invitae), Labcorp
Classification: Uncertain significance. Last evaluated: 2020-11-10. Review status: criteria provided, single submitter. Criteria: Invitae Variant Classification Sherloc (09022015). Collection method: clinical testing. Allele origin: germline.
Comment: In summary, the available evidence is currently insufficient to determine the role of this variant in disease. Therefore, it has been classified as a Variant of Uncertain Significance. This variant, c.107_115del, results in the deletion of 3 amino acid(s) of the RTN4IP1 protein (p.Thr36_Pro38del), but otherwise preserves the integrity of the reading frame. This variant is not present in population databases (ExAC no frequency). This variant has not been reported in the literature in individuals with RTN4IP1-related conditions. Experimental studies and prediction algorithms are not available or were not evaluated, and the functional significance of this variant is currently unknown.

NM_032730.5(RTN4IP1):c.107_115del (p.Thr36_Pro38del)

Gene: RTN4IP1 (reticulon 4 interacting protein 1; minus strand). Cytogenetic location: 6q21.
Variant type: Deletion.
Coding change: c.107_115del on transcript NM_032730.5 (MANE Select); coding-DNA positions 107 to 115, 9 bases deleted (CCTCTCCTA; older notation c.107_115delCCTCTCCTA).
Protein change: p.Thr36_Pro38del.
Molecular consequence: inframe deletion. On other transcripts: intron variant (1).
Genome position (GRCh38, 1-based): chr6:106,628,907-106,628,915, TAGGAGAGG deleted on the plus strand (CCTCTCCTA on the coding strand, the reverse complement: RTN4IP1 is on the minus strand); deleting any 9 consecutive bases within chr6:106,628,907-106,628,918 gives the same sequence; the c. name uses the placement nearest the transcript's 3' end. VCF-style (leftmost placement, unchanged base first): chr6-106628906-CTAGGAGAGG-C. GRCh37 (hg19) VCF-style: chr6-107076781-CTAGGAGAGG-C.
Other names: c.-27+1412_-27+1420del (NM_001318746.1).
Identifiers: ClinVar variation 850491 (VCV000850491.6), dbSNP rs1241096510, ClinGen allele CA816798048.